The following is an entry in ClinVar:

NM_020376.4(PNPLA2):c.165G>C (p.Ala55=)

Genes: PNPLA2 (patatin like domain 2, triacylglycerol lipase; plus strand), LOC130005097 (ATAC-STARR-seq lymphoblastoid silent region 3036; plus strand). Cytogenetic location: 11p15.5.
Variant type: single nucleotide variant.
Coding change: c.165G>C on transcript NM_020376.4 (MANE Select); coding-DNA position 165, G replaced by C.
Protein change: p.Ala55=; no amino-acid change (alanine 55 retained).
Molecular consequence: synonymous variant.
Genome position (GRCh38, 1-based): chr11:819,883, G>C. VCF-style: chr11-819883-G-C. GRCh37 (hg19) VCF-style: chr11-819883-G-C.
Identifiers: ClinVar variation 534202 (VCV000534202.33), dbSNP rs761885395, ClinGen allele CA216967368.

ClinVar aggregate classification (germline): Likely benign. Review status: criteria provided, multiple submitters, no conflicts (2 of 4 stars). 3 submissions from 3 submitters: Likely benign (3). Last evaluated 2026-07-01.

Conditions:
Neutral lipid storage myopathy (NLSDM). Also called: NEUTRAL LIPID STORAGE DISEASE WITHOUT ICHTHYOSIS. Identifiers: Orphanet 98908, MedGen C1853136, MONDO:0012545, OMIM 610717.

Allele frequency attached by ClinVar (database versions not stated): TOPMed 0.00002.
gnomAD v4.1: 19 of 1,443,928 alleles (0.0013%); highest among the groups gnomAD compares: Admixed American, 0.0052%; no homozygotes.

Submissions (3):

CeGaT Center for Human Genetics Tuebingen
Classification: Likely benign. Last evaluated: 2026-07-01. Review status: criteria provided, single submitter. Criteria: CeGaT Center For Human Genetics Tuebingen Variant Classification Criteria Version 2. Collection method: clinical testing. Allele origin: germline. Affected: yes. Observed: 2 variant alleles.
Comment: PNPLA2: BP4, BP7

Labcorp Genetics (formerly Invitae), Labcorp
Classification: Likely benign for Neutral lipid storage myopathy. Last evaluated: 2025-11-03. Review status: criteria provided, single submitter. Criteria: Invitae Variant Classification Sherloc (09022015). Collection method: clinical testing. Allele origin: germline.

Blueprint Genetics
Classification: Likely benign. Last evaluated: 2024-08-05. Review status: criteria provided, single submitter. Criteria: ACMG Guidelines, 2015. Collection method: clinical testing. Allele origin: germline.